The following is an entry in ClinVar:

NM_005085.4(NUP214):c.1102G>A (p.Asp368Asn)

Gene: NUP214 (nucleoporin 214; plus strand). Cytogenetic location: 9q34.13.
Variant type: single nucleotide variant.
Coding change: c.1102G>A on transcript NM_005085.4 (MANE Select); coding-DNA position 1102, G replaced by A.
Protein change: p.Asp368Asn; replaces aspartic acid 368 with asparagine.
Molecular consequence: missense variant.
Genome position (GRCh38, 1-based): chr9:131,139,377, G>A. VCF-style: chr9-131139377-G-A. GRCh37 (hg19) VCF-style: chr9-134014764-G-A.
Other names: c.1102G>A, p.Asp368Asn (NM_001318324.2); c.1102G>A (NM_005085.2); short protein forms D368N.
Identifiers: ClinVar variation 2571864 (VCV002571864.3), dbSNP rs561685309, ClinGen allele CA5288914.

ClinVar aggregate classification (germline): Uncertain significance. Review status: criteria provided, multiple submitters, no conflicts (2 of 4 stars). 3 submissions from 3 submitters: Uncertain significance (3). Last evaluated 2025-09-24.

Allele frequency attached by ClinVar (database versions not stated): gnomAD 0.00001; TOPMed 0.00001; gnomAD exomes 0.00002; ExAC 0.00003; 1000 Genomes Project 0.00020; 1000 Genomes Project 30x 0.00031.
gnomAD v4.1: 33 of 1,604,276 alleles (0.0021%); highest among the groups gnomAD compares: South Asian, 0.028%; no homozygotes.

Submissions (3):

Ambry Genetics
Classification: Uncertain significance. Last evaluated: 2025-09-24. Review status: criteria provided, single submitter. Criteria: Ambry Variant Classification Scheme 2023. Collection method: clinical testing. Allele origin: germline.

GeneDx
Classification: Uncertain significance. Last evaluated: 2023-01-05. Review status: criteria provided, single submitter. Criteria: GeneDx Variant Classification Process June 2021. Collection method: clinical testing. Allele origin: germline. Affected: yes.
Comment: In silico analysis supports that this missense variant has a deleterious effect on protein structure/function; Has not been previously published as pathogenic or benign to our knowledge

Blueprint Genetics
Classification: Uncertain significance. Last evaluated: 2019-10-29. Review status: criteria provided, single submitter. Criteria: ACMG Guidelines, 2015. Collection method: clinical testing. Allele origin: germline.